The following is an entry in ClinVar:

ClinVar aggregate classification (germline): Benign (1 of 4 stars; one submission).

Conditions:
Cone-rod dystrophy 7 (CORD7). Identifiers: Orphanet 1872, MedGen C1863634, MONDO:0011355, OMIM 603649.

Allele frequency attached by ClinVar (database versions not stated): 1000 Genomes Project 30x 0.00031; 1000 Genomes Project 0.00040; gnomAD 0.00003 and 0.00001; TOPMed 0.00005.
gnomAD v4.1: 4 of 152,680 alleles (0.0026%); highest among the groups gnomAD compares: East Asian, 0.077%; no homozygotes.

Submission:

Illumina Laboratory Services, Illumina
Classification: Benign for Cone-rod dystrophy 7. Last evaluated: 2018-01-13. Review status: criteria provided, single submitter. Criteria: ICSL Variant Classification Criteria 13 December 2019. Collection method: clinical testing. Allele origin: germline.
Comment: This variant was observed in the ICSL laboratory as part of a predisposition screen in an ostensibly healthy population. It had not been previously curated by ICSL or reported in the Human Gene Mutation Database (HGMD: prior to June 1st, 2018), and was therefore a candidate for classification through an automated scoring system. Utilizing variant allele frequency, disease prevalence and penetrance estimates, and inheritance mode, an automated score was calculated to assess if this variant is too frequent to cause the disease. Based on the score and internal cut-off values, a variant classified as benign is not then subjected to further curation. The score for this variant resulted in a classification of benign for this disease.

NM_014989.7(RIMS1):c.*783G>A

Gene: RIMS1 (regulating synaptic membrane exocytosis 1; plus strand). Cytogenetic location: 6q13.
Variant type: single nucleotide variant.
Coding change: c.*783G>A on transcript NM_014989.7 (MANE Select); 783 bases downstream of the stop codon, G replaced by A.
Molecular consequence: 3 prime UTR variant.
Genome position (GRCh38, 1-based): chr6:72,401,497, G>A. VCF-style: chr6-72401497-G-A. GRCh37 (hg19) VCF-style: chr6-73111199-G-A.
Other names: c.*783G>A (NM_001168407.2, NM_001168408.2, NM_001168409.2 and 60 more transcripts).
Identifiers: ClinVar variation 357875 (VCV000357875.5), dbSNP rs150486970, ClinGen allele CA10627493.